The following is an entry in ClinVar:

NM_004446.3(EPRS1):c.2240C>A (p.Ser747Tyr)

Gene: EPRS1 (glutamyl-prolyl-tRNA synthetase 1; minus strand). Cytogenetic location: 1q41.
Variant type: single nucleotide variant.
Coding change: c.2240C>A on transcript NM_004446.3 (MANE Select); coding-DNA position 2240, C replaced by A.
Protein change: p.Ser747Tyr; replaces serine 747 with tyrosine.
Molecular consequence: missense variant.
Genome position (GRCh38, 1-based): chr1:219,997,284, G>T on the plus strand (C>A on the coding strand, the complement: EPRS1 is on the minus strand). VCF-style: chr1-219997284-G-T. GRCh37 (hg19) VCF-style: chr1-220170626-G-T.
Other names: short protein forms S747Y.
Identifiers: ClinVar variation 4852324 (VCV004852324.1).

ClinVar aggregate classification (germline): Likely benign (1 of 4 stars; one submission).

Conditions:
Leukodystrophy, hypomyelinating, 15. Identifiers: MedGen C4693733, MONDO:0054782, OMIM 617951.

Submission:

Centre for Medical Genetics,  Mumbai
Classification: Likely benign for Leukodystrophy, hypomyelinating, 15. Last evaluated: 2026-05-20. Review status: criteria provided, single submitter. Criteria: ACMG Guidelines, 2015. Collection method: provider interpretation. Allele origin: germline. Inheritance: Autosomal recessive inheritance. Affected: no. Observed: 1 variant allele, 1 homozygote.
Comment: The variant satisfies PM2 criteria - extremely low frequency in gnomAD population databases. The variant satisfies BP4 criteria - for a missense or a splice region variant, computational prediction tools unanimously support a benign effect on the gene. However, the variant satisfies BS2 criteria - present in homozygous state in an individual that clinically does not have Leukodystrophy.

Literature cited by the submitters: PubMed 29576217.